The following is an entry in ClinVar:

ClinVar aggregate classification (germline): Likely benign. Review status: criteria provided, multiple submitters, no conflicts (2 of 4 stars). 5 submissions from 5 submitters: Likely benign (5). Last evaluated 2026-06-01.

Conditions:
Cardiovascular phenotype. Identifiers: MedGen CN230736.
Distal myopathy with posterior leg and anterior hand involvement. Also called: WILLIAMS DISTAL MYOPATHY. Identifiers: Orphanet 63273, MedGen C3279722, MONDO:0013550, OMIM 614065.
Myofibrillar myopathy 5. Also called: Filaminopathy (type); FILAMINOPATHY, AUTOSOMAL DOMINANT. Identifiers: Orphanet 171445, MedGen C1836050, MONDO:0012289, OMIM 609524.
Hypertrophic cardiomyopathy 26. Also called: Cardiomyopathy, familial hypertrophic, 26. Identifiers: Orphanet 75249, MedGen C4310749, MONDO:0014883, OMIM 617047.
FLNC-related disorder. Also called: FLNC-related disorders; FLNC-related condition.

Allele frequency attached by ClinVar (database versions not stated): ExAC 0.00003; gnomAD exomes 0.00003 and 0.00005; TOPMed 0.00003; gnomAD 0.00005.
gnomAD v4.1: 54 of 1,612,632 alleles (0.0033%); highest among the groups gnomAD compares: Non-Finnish European, 0.0041%; no homozygotes.

Submissions (5):

CeGaT Center for Human Genetics Tuebingen
Classification: Likely benign. Last evaluated: 2026-06-01. Review status: criteria provided, single submitter. Criteria: CeGaT Center For Human Genetics Tuebingen Variant Classification Criteria Version 2. Collection method: clinical testing. Allele origin: germline. Affected: yes. Observed: 2 variant alleles.
Comment: FLNC: BP4, BP7

Labcorp Genetics (formerly Invitae), Labcorp
Classification: Likely benign for Distal myopathy with posterior leg and anterior hand involvement; Myofibrillar myopathy 5; Hypertrophic cardiomyopathy 26. Last evaluated: 2025-12-15. Review status: criteria provided, single submitter. Criteria: Invitae Variant Classification Sherloc (09022015). Collection method: clinical testing. Allele origin: germline.

PreventionGenetics, part of Exact Sciences
Classification: Likely benign for FLNC-related condition. Last evaluated: 2025-08-28. Review status: criteria provided, single submitter. Criteria: ACMG Guidelines, 2015. Collection method: clinical testing. Allele origin: germline.
Comment: This variant is classified as likely benign based on ACMG/AMP sequence variant interpretation guidelines (Richards et al. 2015 PMID: 25741868, with internal and published modifications).

Blueprint Genetics
Classification: Likely benign. Last evaluated: 2023-11-27. Review status: criteria provided, single submitter. Criteria: ACMG Guidelines, 2015. Collection method: clinical testing. Allele origin: germline.

Ambry Genetics
Classification: Likely benign for Cardiovascular phenotype. Last evaluated: 2019-08-30. Review status: criteria provided, single submitter. Criteria: Ambry Variant Classification Scheme 2023. Collection method: clinical testing. Allele origin: germline.

NM_001458.5(FLNC):c.6639C>T (p.Val2213=)

Genes: FLNC (filamin C; plus strand), FLNC-AS1 (FLNC antisense RNA 1; minus strand). Cytogenetic location: 7q32.1.
Variant type: single nucleotide variant.
Coding change: c.6639C>T on transcript NM_001458.5 (MANE Select); coding-DNA position 6639, C replaced by T.
Protein change: p.Val2213=; no amino-acid change (valine 2213 retained).
Molecular consequence: synonymous variant.
Genome position (GRCh38, 1-based): chr7:128,854,128, C>T. VCF-style: chr7-128854128-C-T. GRCh37 (hg19) VCF-style: chr7-128494182-C-T.
Other names: c.6540C>T, p.Val2180= (NM_001127487.2).
Identifiers: ClinVar variation 539495 (VCV000539495.39), dbSNP rs747628268, ClinGen allele CA4476038.